The following is an entry in ClinVar:

NM_001083961.2(WDR62):c.570C>T (p.Ile190=)

Gene: WDR62 (WD repeat domain 62; plus strand). Cytogenetic location: 19q13.12.
Variant type: single nucleotide variant.
Coding change: c.570C>T on transcript NM_001083961.2 (MANE Select); coding-DNA position 570, C replaced by T.
Protein change: p.Ile190=; no amino-acid change (isoleucine 190 retained).
Molecular consequence: synonymous variant.
Genome position (GRCh38, 1-based): chr19:36,067,314, C>T. VCF-style: chr19-36067314-C-T. GRCh37 (hg19) VCF-style: chr19-36558216-C-T.
Other names: c.570C>T, p.Ile190= (NM_173636.5).
Identifiers: ClinVar variation 388017 (VCV000388017.9), dbSNP rs374729985, ClinGen allele CA16608988.

ClinVar aggregate classification (germline): Conflicting classifications of pathogenicity. Review status: criteria provided, conflicting classifications (1 of 4 stars). 3 submissions from 3 submitters: Uncertain significance (1); Likely benign (2). Last evaluated 2023-04-30.

Conditions:
Microcephaly 2, primary, autosomal recessive, with or without cortical malformations. Also called: MICROCEPHALY 2, PRIMARY, AUTOSOMAL RECESSIVE, WITH CORTICAL MALFORMATIONS; WDR62 Primary Microcephaly. Identifiers: Orphanet 2512, MedGen C1858535, MONDO:0011435, OMIM 604317.

Allele frequency attached by ClinVar (database versions not stated): gnomAD exomes below 0.00001; TOPMed 0.00001.
gnomAD v4.1: 22 of 1,614,164 alleles (0.0014%); highest among the groups gnomAD compares: African/African-American, 0.016%; no homozygotes.

Submissions (3):

Labcorp Genetics (formerly Invitae), Labcorp
Classification: Likely benign. Last evaluated: 2023-04-30. Review status: criteria provided, single submitter. Criteria: Invitae Variant Classification Sherloc (09022015). Collection method: clinical testing. Allele origin: germline.

GeneDx
Classification: Likely benign. Last evaluated: 2017-10-12. Review status: criteria provided, single submitter. Criteria: GeneDx Variant Classification (06012015). Collection method: clinical testing. Allele origin: germline. Affected: yes.
Comment: This variant is considered likely benign or benign based on one or more of the following criteria: it is a conservative change, it occurs at a poorly conserved position in the protein, it is predicted to be benign by multiple in silico algorithms, and/or has population frequency not consistent with disease.

Illumina Laboratory Services, Illumina
Classification: Uncertain significance for Microcephaly 2, primary, autosomal recessive, with or without cortical malformations. Last evaluated: 2017-04-27. Review status: criteria provided, single submitter. Criteria: ICSL Variant Classification Criteria 13 December 2019. Collection method: clinical testing. Allele origin: germline.